The following continues an entry in ClinVar:

NM_000256.3(MYBPC3):c.1468G>A (p.Gly490Arg)

Gene: MYBPC3. ClinVar aggregate classification (germline): Conflicting classifications of pathogenicity. Uncertain significance (15); Likely benign (3).

Submissions 11 to 21 of 21:

Clinical Genetics Laboratory, Skane University Hospital Lund
Classification: Uncertain significance. Last evaluated: 2022-10-03. Review status: criteria provided, single submitter. Criteria: ACMG Guidelines, 2015. Collection method: clinical testing. Allele origin: germline. Affected: yes.

Fulgent Genetics
Classification: Uncertain significance for Hypertrophic cardiomyopathy 4; Left ventricular noncompaction 10. Last evaluated: 2022-04-18. Review status: criteria provided, single submitter. Criteria: ACMG Guidelines, 2015. Collection method: clinical testing. Allele origin: unknown.

ARUP Laboratories, Molecular Genetics and Genomics, ARUP Laboratories
Classification: Uncertain significance. Last evaluated: 2020-06-30. Review status: criteria provided, single submitter. Criteria: ARUP Molecular Germline Variant Investigation Process. Collection method: clinical testing. Allele origin: germline.
Comment: The MYBPC3 c.1468G>A; p.Gly490Arg variant (rs200625851) is reported in the literature and ClinVar (Variation ID: 42536) in patients affected with cardiomyopathy (Perkins 2018, Whiffin 2017, van Velzen 2017, Amendola 2015, Ng 2013). An alternative change (p.Gly490Val) has also been reported in homozygote siblings affected with hypertrophic cardiomyopathy (Wang 2013). Given the lack of robust segregation data and functional studies, the exact consequence of this variant is unknown. This variant is found in the non-Finnish European population with an allele frequency of 0.04% (46/128,326 alleles) in the Genome Aggregation Database. The glycine at codon 490 is highly conserved, and computational analyses (SIFT, PolyPhen-2) predict that this variant is deleterious. Due to limited information, the clinical significance of the p.Gly490Arg variant is uncertain at this time. Gene statement: Pathogenic variants in MYBPC3 are inherited in an autosomal dominant manner, and are associated with dilated cardiomyopathy 1MM and left ventricular noncompaction 10 (MIM: 615396) and hypertrophic cardiomyopathy 4 (MIM: 115197). References: Perkins et al., Precision Medicine Screening Using Whole-Genome Sequencing and Advanced Imaging to Identify Disease Risk in Adults Proc Natl Acad Sci U S A. 2018 Apr 3;115(14):3686-3691 Whiffin et al., Using High-Resolution Variant Frequencies to Empower Clinical Genome Interpretation. Genet Med. 2017 Oct;19(10):1151-1158 van Velzen et al., Clinical Characteristics and Long-Term Outcome of Hypertrophic Cardiomyopathy in Individuals With a MYBPC3 (Myosin-Binding Protein C) Founder Mutation. Circ Cardiovasc Genet. 2017 Aug;10(4):e001660 Amendola et al., Actionable Exomic Incidental Findings in 6503 Participants: Challenges of Variant Classification. Genome Res. 2015 Mar;25(3):305-15 Ng et al. Interpreting Secondary Cardiac Disease Variants in an Exome Cohort. Circ Cardiovasc Genetcis 2013 Aug;6(4):337-46 Wang et al. Autosomal Recessive Transmission of MYBPC3 Mutation Results in Malignant Phenotype of Hypertrophic Cardiomyopathy. PLoS One 2013 Jun 28;8(6):e67087.

Laboratory for Molecular Medicine, Mass General Brigham Personalized Medicine
Classification: Uncertain significance. Last evaluated: 2019-04-04. Review status: criteria provided, single submitter. Criteria: ACMG Guidelines, 2015. Collection method: clinical testing. Allele origin: germline.
Comment: The p.Gly490Arg variant in MYBPC3 has been reported in 14 individuals with a variety of cardiomyopathies (8 with HCM: Van Driest 2004, Girolami 2006, Olivotto 2008, Coppini 2014; 1 with increased left ventricular wall thickness: Morita 2006, LMM data; 2 with DCM: Hershberger 2010, LMM data; 1 with ARVC: LMM data; and 2 individuals with LVNC: Probst 2011), and segregated with LVNC in 1 relative (Probst 2011). At least three of these individuals carried a second variant sufficient to explain their disease. This variant has been reported in ClinVar (Variant ID: 42536). The p.Gly490Arg variant has also been identified in 21/66570 European chromosomes by the Exome Aggregation Consortium (ExAC; dbSNP rs200625851). The frequency of this variant in the general population raises concern as to whether it is disease causing. In summary, the clinical significance of the p.Gly490Arg variant is uncertain.

Institute of Human Genetics, University of Leipzig Medical Center
Classification: Uncertain significance for Left ventricular noncompaction 10. Last evaluated: 2019-01-01. Review status: criteria provided, single submitter. Criteria: ACMG Guidelines, 2015. Collection method: clinical testing. Allele origin: unknown. Affected: yes.

Equipe Genetique des Anomalies du Developpement, Université de Bourgogne
Classification: Uncertain significance for Left ventricular noncompaction 10. Last evaluated: 2018-11-21. Review status: criteria provided, single submitter. Criteria: ACMG Guidelines, 2015. Collection method: clinical testing. Allele origin: unknown.

Biesecker Lab/Clinical Genomics Section, National Institutes of Health
Classification: Uncertain significance for Cardiomyopathy, hypertrophic. Last evaluated: 2017-01-04. Review status: criteria provided, single submitter. Criteria: ACMG Guidelines, 2015. Collection method: research. Allele origin: unknown. Affected: yes. Observed: 1 variant allele.
Comment: The study set was not selected for affection status in relation to arrhythmia or cardiomyopathy. Pathogenicity categories were based on literature curation. See Pubmed ID:25741868 for details.

Medical sequencing

Stanford Center for Inherited Cardiovascular Disease, Stanford University
Classification: Uncertain significance. Last evaluated: 2014-07-20. Review status: criteria provided, single submitter. Criteria: ACMG Guidelines, 2015. Collection method: provider interpretation. Allele origin: germline.

CSER _CC_NCGL, University of Washington
Classification: Uncertain significance for Cardiomyopathy, hypertrophic. Last evaluated: 2014-06-01. Review status: no assertion criteria provided. Collection method: research. Allele origin: germline. Inheritance: Autosomal dominant inheritance. Study: ESP 6500 variant annotation. Not counted in ClinVar's aggregate classification.
Comment: Variants classified for the Actionable exomic incidental findings in 6503 participants: challenges of variant classification manuscript

OMIM
Classification: Pathogenic for CARDIOMYOPATHY, DILATED, 1MM. Last evaluated: 2011-08-01. Review status: no assertion criteria provided. Collection method: literature only. Allele origin: germline. Not counted in ClinVar's aggregate classification.

OMIM
Classification: Pathogenic for CARDIOMYOPATHY, FAMILIAL HYPERTROPHIC, 4. Last evaluated: 2011-08-01. Review status: no assertion criteria provided. Collection method: literature only. Allele origin: germline. Not counted in ClinVar's aggregate classification.

Literature cited by the submitters: PubMed 1853307 (cited by Labcorp Genetics (formerly Invitae), Labcorp); PubMed 15519027 (cited by 5 submitters); PubMed 16858239 (cited by 4 submitters); PubMed 18403758 (cited by 5 submitters); PubMed 20215591 (cited by 4 submitters); PubMed 20624503 (cited by Labcorp Genetics (formerly Invitae), Labcorp); PubMed 21551322 (cited by 5 submitters); PubMed 22267749 (cited by 3 submitters); PubMed 28794111 (cited by Labcorp Genetics (formerly Invitae), Labcorp); PubMed 32880476 (cited by Labcorp Genetics (formerly Invitae), Labcorp); PubMed 16754800 (cited by Ambry Genetics and Laboratory for Molecular Medicine, Mass General Brigham Personalized Medicine); PubMed 18533079 (cited by Ambry Genetics and Laboratory for Molecular Medicine, Mass General Brigham Personalized Medicine); PubMed 23299917 (cited by Ambry Genetics); PubMed 23840593 (cited by Ambry Genetics); PubMed 23861362 (cited by Ambry Genetics); PubMed 24055113 (cited by Ambry Genetics); PubMed 24503780 (cited by Ambry Genetics); PubMed 25524337 (cited by Ambry Genetics and Laboratory for Molecular Medicine, Mass General Brigham Personalized Medicine); PubMed 25637381 (cited by Ambry Genetics); PubMed 26936621 (cited by Ambry Genetics and All of Us Research Program, National Institutes of Health); PubMed 29555771 (cited by Ambry Genetics); PubMed 30847666 (cited by Ambry Genetics); PubMed 31019283 (cited by Ambry Genetics); PubMed 31737537 (cited by Ambry Genetics); PubMed 31980526 (cited by Ambry Genetics); PubMed 22337857 (cited by All of Us Research Program, National Institutes of Health); PubMed 33495596 (cited by All of Us Research Program, National Institutes of Health); PubMed 35200695 (cited by All of Us Research Program, National Institutes of Health).